The following is an entry in ClinVar:

NM_000278.5(PAX2):c.115_120del (p.Gln39_Arg40del)

Gene: PAX2 (paired box 2; plus strand). Cytogenetic location: 10q24.31.
Variant type: Deletion.
Coding change: c.115_120del on transcript NM_000278.5 (MANE Select); coding-DNA positions 115 to 120, 6 bases deleted (CAGCGC; older notation c.115_120delCAGCGC).
Protein change: p.Gln39_Arg40del.
Molecular consequence: inframe deletion.
Genome position (GRCh38, 1-based): chr10:100,749,817-100,749,822, CAGCGC deleted. VCF-style (leftmost placement, unchanged base first): chr10-100749816-GCAGCGC-G. GRCh37 (hg19) VCF-style: chr10-102509573-GCAGCGC-G.
Other names: c.208_213del, p.Gln70_Arg71del (NM_001304569.2); c.115_120del, p.Gln39_Arg40del (NM_003987.5, NM_003988.5, NM_003989.5 and 1 more transcripts).
Identifiers: ClinVar variation 156290 (VCV000156290.1), dbSNP rs74676646, ClinGen allele CA233157.

ClinVar aggregate classification (germline): not provided (0 of 4 stars; one submission).

Submission:

ClinVar Staff, National Center for Biotechnology Information (NCBI)
No classification provided. Review status: no classification provided. Collection method: not provided. Allele origin: unknown.
Comment: Based on information supplied by Graeme Grimes.